The following is an entry in ClinVar:

ClinVar aggregate classification (germline): Pathogenic (1 of 4 stars; one submission).

Conditions:
Congenital myasthenic syndrome 13 (CMS13). Also called: Myasthenic syndrome, congenital, with tubular aggregates 2; Myasthenic syndrome, congenital, 13, with tubular aggregates. Identifiers: Orphanet 353327, Orphanet 590, MedGen C3553645, MONDO:0013883, OMIM 614750.
DPAGT1-congenital disorder of glycosylation. Also called: CONGENITAL DISORDER OF GLYCOSYLATION, TYPE Ij; CDG Ij; DPAGT1-CDG. Identifiers: Orphanet 86309, MedGen C2931004, MONDO:0011964, OMIM 608093.

Submission:

Labcorp Genetics (formerly Invitae), Labcorp
Classification: Pathogenic for Congenital myasthenic syndrome 13; DPAGT1-congenital disorder of glycosylation. Last evaluated: 2026-01-14. Review status: criteria provided, single submitter. Criteria: Invitae Variant Classification Sherloc (09022015). Collection method: clinical testing. Allele origin: germline.
Comment: This sequence change creates a premature translational stop signal (p.Ser246*) in the DPAGT1 gene. It is expected to result in an absent or disrupted protein product. Loss-of-function variants in DPAGT1 are known to be pathogenic (PMID: 22742743). This variant is not present in population databases (gnomAD no frequency). This variant has not been reported in the literature in individuals affected with DPAGT1-related conditions. For these reasons, this variant has been classified as Pathogenic.

Literature cited by the submitters: PubMed 22742743.

NM_001382.4(DPAGT1):c.737C>A (p.Ser246Ter)

Gene: DPAGT1 (dolichyl-phosphate N-acetylglucosaminephosphotransferase 1; minus strand). Cytogenetic location: 11q23.3.
Variant type: single nucleotide variant.
Coding change: c.737C>A on transcript NM_001382.4 (MANE Select); coding-DNA position 737, C replaced by A.
Protein change: p.Ser246Ter; replaces serine 246 with a stop codon.
Molecular consequence: nonsense.
Genome position (GRCh38, 1-based): chr11:119,098,035, G>T on the plus strand (C>A on the coding strand, the complement: DPAGT1 is on the minus strand). VCF-style: chr11-119098035-G-T. GRCh37 (hg19) VCF-style: chr11-118968745-G-T.
Other names: short protein forms S246*.
Identifiers: ClinVar variation 4786678 (VCV004786678.1).
Genomic context (GRCh38, chr11:119,098,035, plus strand): 5'-CCCACCACGGCAAAGGTCATGCCAGCAAAGTAACAGAAGGTATCTCCCACAAACACCCGT[G>T]ATGGGTACCTGTGTGGGGGAAGAGGATCCGAGCCAGTGGCAAGAGGCATTACCAATCCCT-3'